The following is an entry in ClinVar:

ClinVar aggregate classification (germline): Uncertain significance. Review status: criteria provided, multiple submitters, no conflicts (2 of 4 stars). 2 submissions from 2 submitters: Uncertain significance (2). Last evaluated 2024-09-30.

Allele frequency attached by ClinVar (database versions not stated): ESP Exome Variant Server 0.00015; ExAC 0.00018; gnomAD exomes 0.00019; TOPMed 0.00020; gnomAD 0.00023.
gnomAD v4.1: 311 of 1,613,814 alleles (0.019%); highest among the groups gnomAD compares: Middle Eastern, 0.083%; no homozygotes.

Submissions (2):

Ambry Genetics
Classification: Uncertain significance. Last evaluated: 2024-09-30. Review status: criteria provided, single submitter. Criteria: Ambry Variant Classification Scheme 2023. Collection method: clinical testing. Allele origin: germline.

Labcorp Genetics (formerly Invitae), Labcorp
Classification: Uncertain significance. Last evaluated: 2024-02-07. Review status: criteria provided, single submitter. Criteria: Invitae Variant Classification Sherloc (09022015). Collection method: clinical testing. Allele origin: germline.
Comment: This sequence change replaces tyrosine, which is neutral and polar, with cysteine, which is neutral and slightly polar, at codon 930 of the SIPA1L3 protein (p.Tyr930Cys). This variant is present in population databases (rs150292475, gnomAD 0.03%). This variant has not been reported in the literature in individuals affected with SIPA1L3-related conditions. ClinVar contains an entry for this variant (Variation ID: 2346545). An algorithm developed to predict the effect of missense changes on protein structure and function (PolyPhen-2) suggests that this variant is likely to be disruptive. In summary, the available evidence is currently insufficient to determine the role of this variant in disease. Therefore, it has been classified as a Variant of Uncertain Significance.

NM_015073.3(SIPA1L3):c.2789A>G (p.Tyr930Cys)

Gene: SIPA1L3 (signal induced proliferation associated 1 like 3; plus strand). Cytogenetic location: 19q13.13.
Variant type: single nucleotide variant.
Coding change: c.2789A>G on transcript NM_015073.3 (MANE Select); coding-DNA position 2789, A replaced by G.
Protein change: p.Tyr930Cys; replaces tyrosine 930 with cysteine.
Molecular consequence: missense variant.
Genome position (GRCh38, 1-based): chr19:38,119,803, A>G. VCF-style: chr19-38119803-A-G. GRCh37 (hg19) VCF-style: chr19-38610443-A-G.
Other names: short protein forms Y930C.
Identifiers: ClinVar variation 2346545 (VCV002346545.5), dbSNP rs150292475, ClinGen allele CA9409773.